The following is an entry in ClinVar:

NM_019892.6(INPP5E):c.1565G>C (p.Gly522Ala)

Gene: INPP5E (inositol polyphosphate-5-phosphatase E; minus strand). Cytogenetic location: 9q34.3.
Variant type: single nucleotide variant.
Coding change: c.1565G>C on transcript NM_019892.6 (MANE Select); coding-DNA position 1565, G replaced by C.
Protein change: p.Gly522Ala; replaces glycine 522 with alanine.
Molecular consequence: missense variant.
Genome position (GRCh38, 1-based): chr9:136,431,102, C>G on the plus strand (G>C on the coding strand, the complement: INPP5E is on the minus strand). VCF-style: chr9-136431102-C-G. GRCh37 (hg19) VCF-style: chr9-139325554-C-G.
Other names: c.1565G>C (NM_019892.5); c.1562G>C, p.Gly521Ala (NM_001318502.2); short protein forms G522A, G521A.
Identifiers: ClinVar variation 530891 (VCV000530891.16), dbSNP rs771866500, ClinGen allele CA5336724.
Genomic context (GRCh38, chr9:136,431,102, plus strand): 5'-GTGTCCTTCCCGATGTCAAACTTGTATGATGGGAGGAAGTGGATGTCCGGCTCCTGGAAG[C>G]CCTTGAAGATGGACCCTGCCACAGGATGGGCACTCGGACTGGCTCAGACCAGCTTGTGCC-3'
Protein context (NP_063945.2, residues 512-532): REMRKGSIFK[Gly522Ala]FQEPDIHFLP

ClinVar aggregate classification (germline): Pathogenic/Likely pathogenic. Review status: criteria provided, multiple submitters, no conflicts (2 of 4 stars). 5 submissions from 5 submitters: Pathogenic (2); Likely pathogenic (2). 1 of the submissions does not count toward it. Last evaluated 2025-03-31.

Conditions:
INPP5E-related disorder. Also called: INPP5E-related condition.
Joubert syndrome and related disorders. Identifiers: Orphanet 140874, MedGen C5679612, MONDO:0015369.
MORM syndrome (MORMS). Identifiers: Orphanet 75858, MedGen C1857802, MONDO:0012423, OMIM 610156.
Joubert syndrome 1 (JBTS1). Also called: Cerebellooculorenal syndrome 1; CEREBELLOPARENCHYMAL DISORDER IV. Identifiers: MedGen C4551568, MONDO:0008944, OMIM 213300.
Joubert syndrome. Also called: Familial aplasia of the vermis; JOUBERT-BOLTSHAUSER SYNDROME. Identifiers: Orphanet 475, MedGen C5979921, MONDO:0018772.

Allele frequency attached by ClinVar (database versions not stated): gnomAD 0.00001; gnomAD exomes 0.00004 and 0.00002; TOPMed 0.00003; ExAC 0.00003.
gnomAD v4.1: 11 of 1,612,550 alleles (0.00068%); highest among the groups gnomAD compares: Admixed American, 0.018%; no homozygotes.

Submissions (5):

3billion
Classification: Pathogenic for Joubert syndrome 1. Last evaluated: 2025-03-31. Review status: criteria provided, single submitter. Criteria: ACMG Guidelines, 2015. Collection method: clinical testing. Allele origin: germline. Affected: yes.
Comment: The variant is observed at an extremely low frequency in the gnomAD v4.1.0 dataset (total allele frequency: <0.001%). Predicted Consequence/Location: Missense variant The variant was homozygous. In silico tool predictions suggest damaging effect of the variant on gene or gene product [REVEL: 0.89 (>=0.6, sensitivity 0.68 and specificity 0.92); 3Cnet: 0.99 (> 0.75, sensitivity 0.96 and precision 0.92)]. The same nucleotide change resulting in the same amino acid change has been previously reported as pathogenic/likely pathogenic with strong evidence (ClinVar ID: VCV000530891 / PMID: 28497568). The variant has been reported to co-segregate with the disease in at least one similarly affected relative/individual in the same family or similarly affected unrelated families (PMID: 29052317). A different missense change at the same codon (p.Gly522Arg) has been reported to be associated with INPP5E-related disorder (ClinVar ID: VCV001476623). Therefore, this variant is classified as Pathogenic according to the recommendation of ACMG/AMP guideline.

Labcorp Genetics (formerly Invitae), Labcorp
Classification: Pathogenic for Joubert syndrome. Last evaluated: 2025-01-15. Review status: criteria provided, single submitter. Criteria: Invitae Variant Classification Sherloc (09022015). Collection method: clinical testing. Allele origin: germline.
Comment: This sequence change replaces glycine, which is neutral and non-polar, with alanine, which is neutral and non-polar, at codon 522 of the INPP5E protein (p.Gly522Ala). This variant is present in population databases (rs771866500, gnomAD 0.03%). This missense change has been observed in individual(s) with Joubert syndrome (PMID: 29052317). It has also been observed to segregate with disease in related individuals. ClinVar contains an entry for this variant (Variation ID: 530891). Invitae Evidence Modeling of protein sequence and biophysical properties (such as structural, functional, and spatial information, amino acid conservation, physicochemical variation, residue mobility, and thermodynamic stability) indicates that this missense variant is expected to disrupt INPP5E protein function with a positive predictive value of 95%. For these reasons, this variant has been classified as Pathogenic.

Women's Health and Genetics/Laboratory Corporation of America, LabCorp
Classification: Likely pathogenic for Joubert syndrome and related disorders. Last evaluated: 2024-08-16. Review status: criteria provided, single submitter. Criteria: LabCorp Variant Classification Summary - May 2015. Collection method: clinical testing. Allele origin: germline.
Comment: Variant summary: INPP5E c.1565G>C (p.Gly522Ala) results in a non-conservative amino acid change located in the Inositol polyphosphate-related phosphatase (IPR000300) of the encoded protein sequence. Five of five in-silico tools predict a damaging effect of the variant on protein function. The variant allele was found at a frequency of 4e-05 in 249968 control chromosomes. This frequency is not significantly higher than estimated for a pathogenic variant in INPP5E causing Joubert Syndrome And Related Disorders (4e-05 vs 0.00079), allowing no conclusion about variant significance. c.1565G>C has been reported in the literature in at least two homozygous individuals affected with Joubert Syndrome (e.g., Summers_2017). These data indicate that the variant is likely to be associated with disease. To our knowledge, no experimental evidence demonstrating an impact on protein function has been reported. The following publication has been ascertained in the context of this evaluation (PMID: 28497568). ClinVar contains an entry for this variant (Variation ID: 530891). Based on the evidence outlined above, the variant was classified as likely pathogenic.

Fulgent Genetics
Classification: Likely pathogenic for Joubert syndrome 1; MORM syndrome. Last evaluated: 2024-05-06. Review status: criteria provided, single submitter. Criteria: ACMG Guidelines, 2015. Collection method: clinical testing. Allele origin: germline.

PreventionGenetics, part of Exact Sciences
Classification: Likely pathogenic for INPP5E-related condition. Last evaluated: 2024-05-13. Review status: no assertion criteria provided. Collection method: clinical testing. Allele origin: germline. Not counted in ClinVar's aggregate classification.
Comment: The INPP5E c.1565G>C variant is predicted to result in the amino acid substitution p.Gly522Ala. This variant was previously reported in the homozygous state in at least two patients who presented with Joubert syndrome (Summers et al. 2017. PubMed ID: 28497568; Hardee et al. 2017. PubMed ID: 29052317). Functional studies indicated that the affected patients’ variant protein was unstable and ultimately impaired cilia formation (Hardee et al. 2017. PubMed ID: 29052317). This variant is reported in 0.029% of alleles in individuals of Latino descent in gnomAD. This variant is interpreted as likely pathogenic.

Literature cited by the submitters: PubMed 28497568 (cited by 3billion and Women's Health and Genetics/Laboratory Corporation of America, LabCorp); PubMed 29052317 (cited by 3billion and Labcorp Genetics (formerly Invitae), Labcorp).